The following is an entry in ClinVar:

ClinVar aggregate classification (germline): Uncertain significance (1 of 4 stars; one submission).

Allele frequency attached by ClinVar (database versions not stated): gnomAD exomes below 0.00001.
gnomAD v4.1: 1 of 1,613,334 alleles (0.000062%); highest among the groups gnomAD compares: Non-Finnish European, 0.000085%; no homozygotes.

Submission:

GeneDx
Classification: Uncertain significance. Last evaluated: 2024-05-03. Review status: criteria provided, single submitter. Criteria: GeneDx Variant Classification Process June 2021. Collection method: clinical testing. Allele origin: germline. Affected: yes.
Comment: Not observed at significant frequency in large population cohorts (gnomAD); In silico analysis supports that this missense variant has a deleterious effect on protein structure/function; Has not been previously published as pathogenic or benign to our knowledge

NM_002397.5(MEF2C):c.752G>A (p.Arg251His)

Gene: MEF2C (myocyte enhancer factor 2C; minus strand). Cytogenetic location: 5q14.3.
Variant type: single nucleotide variant.
Coding change: c.752G>A on transcript NM_002397.5 (MANE Select); coding-DNA position 752, G replaced by A.
Protein change: p.Arg251His; replaces arginine 251 with histidine.
Molecular consequence: missense variant.
Genome position (GRCh38, 1-based): chr5:88,731,787, C>T on the plus strand (G>A on the coding strand, the complement: MEF2C is on the minus strand). VCF-style: chr5-88731787-C-T. GRCh37 (hg19) VCF-style: chr5-88027604-C-T.
Other names: c.746G>A, p.Arg249His (NM_001131005.2, NM_001364343.2, NM_001364352.2); c.806G>A, p.Arg269His (NM_001193347.1, NM_001364338.2); c.608G>A, p.Arg203His (NM_001193348.1, NM_001193349.3, NM_001364332.2 and 3 more transcripts); c.752G>A, p.Arg251His (NM_001193350.2, NM_001308002.3, NM_001363581.2 and 18 more transcripts); c.374G>A, p.Arg125His (NM_001364353.2, NM_001364356.2); c.326G>A, p.Arg109His (NM_001364357.2); short protein forms R109H, R125H, R203H, R249H, R251H, R269H.
Identifiers: ClinVar variation 1310329 (VCV001310329.3), dbSNP rs1761785681, ClinGen allele CA360423273.